The following is an entry in ClinVar:

NM_000520.6(HEXA):c.1345_1346dup (p.Ala450fs)

Gene: HEXA (hexosaminidase subunit alpha; minus strand). Cytogenetic location: 15q23.
Variant type: Duplication.
Coding change: c.1345_1346dup on transcript NM_000520.6 (MANE Select); coding-DNA positions 1345 to 1346, 2 bases duplicated (AA; older notation c.1345_1346dupAA).
Protein change: p.Ala450fs; shifts the reading frame from alanine 450.
Molecular consequence: frameshift variant. On other transcripts: non-coding transcript variant (1).
Genome position (GRCh38, 1-based): chr15:72,346,310-72,346,311, TT duplicated on the plus strand (AA on the coding strand, the reverse complement: HEXA is on the minus strand). VCF-style (leftmost placement, unchanged base first): chr15-72346309-C-CTT. GRCh37 (hg19) VCF-style: chr15-72638650-C-CTT.
Other names: c.1378_1379dup, p.Ala461fs (NM_001318825.2); short protein forms A450fs, A461fs.
Identifiers: ClinVar variation 4818718 (VCV004818718.2).

ClinVar aggregate classification (germline): Pathogenic/Likely pathogenic. Review status: criteria provided, multiple submitters, no conflicts (2 of 4 stars). 2 submissions from 2 submitters: Pathogenic (1); Likely pathogenic (1). Last evaluated 2025-09-15.

Conditions:
Tay-Sachs disease (TSD). Also called: HEXA Disorders; HEXA DEFICIENCY; GM2 gangliosidosis, type 1; Hexosaminidase alpha-subunit deficiency (variant B); Sphingolipidosis, Tay-Sachs; Hexosaminidase A Deficiency. Identifiers: Orphanet 845, MedGen C0039373, MONDO:0010100, OMIM 272800.

Submissions (2):

Myriad Genetics, Inc.
Classification: Pathogenic for Tay-Sachs disease. Last evaluated: 2025-09-15. Review status: criteria provided, single submitter. Criteria: Myriad Autosomal Dominant, Autosomal Recessive and X-Linked Classification Criteria (2023). Collection method: clinical testing. Allele origin: unknown.
Comment: NM_000520.4(HEXA):c.1345_1346dupAA(A450Rfs*4) is expected to be pathogenic in the context of hexosaminidase A deficiency. This variant is predicted to lead to an abnormal or absent protein product due to the creation of a premature termination codon in HEXA, a gene where loss-of-function variants are known to be pathogenic. Please note: this variant was assessed in the context of healthy population screening.

Natera, Inc.
Classification: Likely pathogenic for Tay-Sachs disease. Last evaluated: 2025-01-17. Review status: criteria provided, single submitter. Criteria: Natera Variant Classification Schema (03/2026). Collection method: clinical testing. Allele origin: germline.
Comment: The c.1345_1346dupAA variant in HEXA is a frameshift variant predicted to shift the reading frame beginning at codon 450 and leads to a stop codon 4 codons downstream. This variant is expected to result in nonsense mediated decay, truncation, or a dysfunctional protein product. This variant is rare in the general population with a frequency below the threshold expected for the associated phenotype(s). Given the available evidence, this variant is classified as Likely Pathogenic.